The following is an entry in ClinVar:

NM_000059.4(BRCA2):c.8954-1G>A

Gene: BRCA2 (BRCA2 DNA repair associated; plus strand). Cytogenetic location: 13q13.1.
Variant type: single nucleotide variant.
Coding change: c.8954-1G>A on transcript NM_000059.4 (MANE Select); the canonical splice acceptor site of the intron before coding-DNA position 8954, G replaced by A.
Molecular consequence: splice acceptor variant. On other transcripts: intron variant (1).
Genome position (GRCh38, 1-based): chr13:32,379,749, G>A. VCF-style: chr13-32379749-G-A. GRCh37 (hg19) VCF-style: chr13-32953886-G-A.
Other names: c.8954-52G>A (NM_001406720.1); c.8858-1G>A (NM_001406719.1); c.4022-1G>A (NM_001406721.1); c.2537-1G>A (NM_001406722.1).
Identifiers: ClinVar variation 531281 (VCV000531281.15), dbSNP rs1555288435, ClinGen allele CA387757355.
Genomic context (GRCh38, chr13:32,379,749, plus strand): 5'-AACAAACATTTAAATGATAATCACTTCTTCCATTGCATCTTTCTCATCTTTCTCCAAACA[G>A]TTATACTGAGTATTTGGCGTCCATCATCAGATTTATATTCTCTGTTAACAGAAGGAAAGA-3'

ClinVar aggregate classification (germline): Pathogenic/Likely pathogenic. Review status: criteria provided, multiple submitters, no conflicts (2 of 4 stars). 7 submissions from 7 submitters: Pathogenic (2); Likely pathogenic (4). 1 of the submissions does not count toward it. Last evaluated 2025-06-26.

Conditions:
Hereditary cancer-predisposing syndrome. Also called: Neoplastic Syndromes, Hereditary; Hereditary neoplastic syndrome; Tumor predisposition; Hereditary Cancer Syndrome. Identifiers: Orphanet 140162, MedGen C0027672, MeSH D009386, MONDO:0015356.
Breast-ovarian cancer, familial, susceptibility to, 2 (BROVCA2). Also called: BRCA2 Hereditary Breast and Ovarian Cancer. Identifiers: Orphanet 145, MedGen C2675520, MONDO:0012933, OMIM 612555. Disease mechanism: loss of function.
Hereditary breast ovarian cancer syndrome. Also called: Hereditary breast and ovarian cancer syndrome; Hereditary breast and ovarian cancer syndrome (HBOC); BRCA1- and BRCA2-Associated Hereditary Breast and Ovarian Cancer; Hereditary breast and ovarian cancer; Breast and ovarian cancer; Hereditary breast and/or ovarian cancer syndrome. Identifiers: Orphanet 145, MedGen C0677776, MeSH D061325, MONDO:0003582. Disease mechanism: loss of function.
Familial cancer of breast. Also called: BREAST CANCER, FAMILIAL; hereditary breast carcinoma; Hereditary breast cancer. Identifiers: Orphanet 227535, MedGen C0346153, MONDO:0016419, OMIM 114480. Disease mechanism: loss of function.
Malignant tumor of breast. Also called: Cancer breast; Malignant breast neoplasm. Identifiers: MedGen C0006142, MONDO:0007254. Disease mechanism: loss of function.

Allele frequency attached by ClinVar (database versions not stated): gnomAD exomes below 0.00001.
gnomAD v4.1: 4 of 1,609,864 alleles (0.00025%); highest among the groups gnomAD compares: African/African-American, 0.0013%; no homozygotes.

Submissions (7):

GeneKor MSA
Classification: Likely pathogenic for Hereditary breast ovarian cancer syndrome. Last evaluated: 2025-06-26. Review status: criteria provided, single submitter. Criteria: ACMG Guidelines, 2015. Collection method: clinical testing. Allele origin: germline. Affected: yes.
Comment: This variant occurs one base before exon 23 of the BRCA2 gene. This position is highly conserved in the human and other genomes and might be involved in mRNA processing. Therefore, this variant is expected to disrupt RNA splicing and likely results in an absent or disrupted protein product. This variant is not present in population databases (rs1555288435). The mutation database Clinvar contains entries for this variant (VCV000531281.12). Algorithms developed to predict the effect of sequence changes on RNA splicing suggest that this variant may disrupt the consensus splice site. ClinVar contains entries for this variant (VCV000531281.13). Donor and acceptor splice site variants typically lead to a loss of protein function (PMID:16199547), and loss-of-function variants in BRCA2 are known to be pathogenic (PMID:20104584). Based on the classification criteria set by the ACMG and AMP (PMID:25741868) this variant has been classified as likely pathogenic.

Ambry Genetics
Classification: Pathogenic for Hereditary cancer-predisposing syndrome. Last evaluated: 2025-06-16. Review status: criteria provided, single submitter. Criteria: Ambry Variant Classification Scheme 2023. Collection method: clinical testing. Allele origin: germline.
Comment: The c.8954-1G>A intronic pathogenic mutation results from a G to A substitution one nucleotide upstream from coding exon 22 of the BRCA2 gene. Two saturation genome editing-based studies, including a haploid cell-survival assay and a humanized mouse embryonic stem cell line assay of drug response and survival, demonstrate that this nucleotide substitution is non-functional(Huang H et al. Nature. 2025 Feb;638(8050):528-537; Sahu S et al. Nature. 2025 Feb;638(8050):538-545). This variant is considered to be rare based on population cohorts in the Genome Aggregation Database (gnomAD). This nucleotide position is well conserved in available vertebrate species. In silico splice site analysis predicts that this alteration will weaken the native splice acceptor site. RNA studies have demonstrated that this alteration results in abnormal splicing in the set of samples tested (Ambry internal data). Alterations that disrupt the canonical splice site are expected to cause aberrant splicing, resulting in an abnormal protein or a transcript that is subject to nonsense-mediated mRNA decay. Based on the supporting evidence, this variant is interpreted as a disease-causing mutation.

Labcorp Genetics (formerly Invitae), Labcorp
Classification: Pathogenic for Hereditary breast ovarian cancer syndrome. Last evaluated: 2025-02-10. Review status: criteria provided, single submitter. Criteria: Invitae Variant Classification Sherloc (09022015). Collection method: clinical testing. Allele origin: germline.
Comment: This sequence change affects an acceptor splice site in intron 22 of the BRCA2 gene. RNA analysis indicates that disruption of this splice site induces altered splicing and may result in an absent or altered protein product. This variant is not present in population databases (gnomAD no frequency). Disruption of this splice site has been observed in individual(s) with breast cancer (PMID: 31343793). ClinVar contains an entry for this variant (Variation ID: 531281). Studies have shown that disruption of this splice site alters BRCA2 gene expression (PMID: 31343793). Studies have shown that disruption of this splice site results in activation of a cryptic splice site, and produces a non-functional protein and/or introduces a premature termination codon (PMID: 31343793; internal data). For these reasons, this variant has been classified as Pathogenic.

Molecular Pathology, Peter Maccallum Cancer Centre
Classification: Likely pathogenic for Breast-ovarian cancer, familial, susceptibility to, 2. Last evaluated: 2024-04-14. Review status: criteria provided, single submitter. Criteria: ACMG Guidelines, 2015. Collection method: clinical testing. Allele origin: germline. Inheritance: Autosomal dominant inheritance.

Baylor Genetics
Classification: Likely pathogenic for Familial cancer of breast. Last evaluated: 2024-03-27. Review status: criteria provided, single submitter. Criteria: ACMG Guidelines, 2015. Collection method: clinical testing. Allele origin: unknown.

Laboratory for Molecular Medicine, Mass General Brigham Personalized Medicine
Classification: Likely pathogenic for Hereditary breast ovarian cancer syndrome. Last evaluated: 2019-10-14. Review status: criteria provided, single submitter. Criteria: ACMG Guidelines, 2015. Collection method: clinical testing. Allele origin: germline.
Comment: The c.8954-1G>A variant in BRCA2 has not been previously reported in individuals with hereditary breast and/or ovarian cancer (HBOC) and was absent from large population studies, but has been reported in ClinVar (Variation ID: 531281). This variant occurs within the canonical splice site (+/- 1,2) and is predicted to cause altered splicing leading to an abnormal or absent protein. Loss of function of the BRCA2 gene is an established disease mechanism in autosomal dominant HBOC. In summary, although additional studies are required to fully establish its clinical significance, this variant meets criteria to be classified as likely pathogenic for autosomal dominant HBOC. ACMG/AMP Criteria applied: PVS1, PM2.

Department of Pathology and Laboratory Medicine, Sinai Health System
Classification: Pathogenic for Malignant tumor of breast. Review status: no assertion criteria provided. Collection method: clinical testing. Allele origin: unknown. Affected: yes. Study: The Canadian Open Genetics Repository (COGR). Not counted in ClinVar's aggregate classification.
Comment: The BRCA2 c.8954-1G>A variant was not identified in the literature nor was it identified in the dbSNP, LOVD 3.0, or UMD-LSDB, databases. The variant was identified in ClinVar (classified as likely pathogenic by Invitae). The variant was not identified in the following control databases: the Exome Aggregation Consortium (August 8th 2016), or the Genome Aggregation Database (Feb 27, 2017). The c.8954-1G>A variant is predicted to cause abnormal splicing because the nucleotide substitution occurs in the invariant region of the splice consensus sequence. In addition, 4 of 4 in silico or computational prediction software programs (SpliceSiteFinder, MaxEntScan, NNSPLICE, GeneSplicer) predict a greater than 10% difference in splicing. In summary, based on the above information this variant meets our laboratoryâ€šÃ„Ã´s criteria to be classified as pathogenic.

Literature cited by the submitters: PubMed 16199547 (cited by GeneKor MSA); PubMed 20104584 (cited by GeneKor MSA); PubMed 39779848 (cited by Ambry Genetics); PubMed 39779857 (cited by Ambry Genetics); PubMed 31343793 (cited by Labcorp Genetics (formerly Invitae), Labcorp).